The following is an entry in ClinVar:

ClinVar aggregate classification (germline): Uncertain significance (1 of 4 stars; one submission).

Conditions:
Inborn genetic diseases. Identifiers: MedGen C0950123, MeSH D030342.

Submission:

Ambry Genetics
Classification: Uncertain significance for Inborn genetic diseases. Last evaluated: 2026-05-14. Review status: criteria provided, single submitter. Criteria: Ambry Variant Classification Scheme 2023. Collection method: clinical testing. Allele origin: germline.
Comment: The p.F476L variant (also known as c.1426T>C), located in coding exon 10 of the FANCG gene, results from a T to C substitution at nucleotide position 1426. The phenylalanine at codon 476 is replaced by leucine, an amino acid with highly similar properties. This amino acid position is conserved. In addition, this alteration is predicted to be tolerated by in silico analysis. Based on the available evidence, the clinical significance of this variant remains unclear.

NM_004629.2(FANCG):c.1426T>C (p.Phe476Leu)

Gene: FANCG (FA complementation group G; minus strand). Cytogenetic location: 9p13.3.
Variant type: single nucleotide variant.
Coding change: c.1426T>C on transcript NM_004629.2 (MANE Select); coding-DNA position 1426, T replaced by C.
Protein change: p.Phe476Leu; replaces phenylalanine 476 with leucine.
Molecular consequence: missense variant.
Genome position (GRCh38, 1-based): chr9:35,075,472, A>G on the plus strand (T>C on the coding strand, the complement: FANCG is on the minus strand). VCF-style: chr9-35075472-A-G. GRCh37 (hg19) VCF-style: chr9-35075469-A-G.
Other names: short protein forms F476L.
Identifiers: ClinVar variation 4871004 (VCV004871004.1).